The following is an entry in ClinVar:

NM_001385682.1(MAP4):c.6402G>A (p.Ala2134=)

Gene: MAP4 (microtubule associated protein 4; minus strand). Cytogenetic location: 3p21.31.
Variant type: single nucleotide variant.
Coding change: c.6402G>A on transcript NM_001385682.1 (MANE Select); coding-DNA position 6402, G replaced by A.
Protein change: p.Ala2134=; no amino-acid change (alanine 2134 retained).
Molecular consequence: synonymous variant. On other transcripts: intron variant (69).
Genome position (GRCh38, 1-based): chr3:47,869,220, C>T on the plus strand (G>A on the coding strand, the complement: MAP4 is on the minus strand). VCF-style: chr3-47869220-C-T. GRCh37 (hg19) VCF-style: chr3-47910710-C-T.
Other names: c.2967G>A, p.Ala989= (NM_001134364.2, NM_001384729.1, NM_001384754.1 and 5 more transcripts); c.2922G>A, p.Ala974= (NM_001384676.1, NM_001384756.1, NM_001384774.1); c.2973G>A, p.Ala991= (NM_001384679.1, NM_001384731.1); c.2661G>A, p.Ala887= (NM_001384680.1); c.2844G>A, p.Ala948= (NM_001384681.1, NM_001384836.1, NM_001384868.1); c.2769G>A, p.Ala923= (NM_001384707.1, NM_001384850.1); c.2898G>A, p.Ala966= (NM_001384730.1, NM_001384777.1, NM_001384816.1); c.3018G>A, p.Ala1006= (NM_001384736.1, NM_001384788.1, NM_001385686.1); and 68 more.
Identifiers: ClinVar variation 3032804 (VCV003032804.2), dbSNP rs200032630, ClinGen allele CA2370688.

ClinVar aggregate classification (germline): Likely benign (0 of 4 stars; one submission).

Conditions:
MAP4-related disorder. Also called: MAP4-related condition.

Allele frequency attached by ClinVar (database versions not stated): gnomAD exomes 0.00006; ESP Exome Variant Server 0.00008; gnomAD 0.00014; TOPMed 0.00016; ExAC 0.00021; 1000 Genomes Project 30x 0.00062; 1000 Genomes Project 0.00080.
gnomAD v4.1: 110 of 1,610,408 alleles (0.0068%); highest among the groups gnomAD compares: East Asian, 0.16%; no homozygotes.

Submission:

PreventionGenetics, part of Exact Sciences
Classification: Likely benign for MAP4-related condition. Last evaluated: 2023-02-09. Review status: no assertion criteria provided. Collection method: clinical testing. Allele origin: germline.
Comment: This variant is classified as likely benign based on ACMG/AMP sequence variant interpretation guidelines (Richards et al. 2015 PMID: 25741868, with internal and published modifications).